The following is an entry in ClinVar:

NM_000179.3(MSH6):c.1907_1923dup (p.Tyr642fs)

Gene: MSH6 (mutS homolog 6; plus strand). Cytogenetic location: 2p16.3.
Variant type: Duplication.
Coding change: c.1907_1923dup on transcript NM_000179.3 (MANE Select); coding-DNA positions 1907 to 1923, 17 bases duplicated (CTCTCCTTGAGGAAGAA).
Protein change: p.Tyr642fs; shifts the reading frame from tyrosine 642.
Molecular consequence: frameshift variant.
Genome position (GRCh38, 1-based): chr2:47,799,890-47,799,906, CTCTCCTTGAGGAAGAA duplicated; duplicating any 17 consecutive bases within chr2:47,799,886-47,799,906 gives the same sequence; the c. name uses the placement nearest the transcript's 3' end. VCF-style (leftmost placement, unchanged base first): chr2-47799885-G-GAGAACTCTCCTTGAGGA. GRCh37 (hg19) VCF-style: chr2-48027024-G-GAGAACTCTCCTTGAGGA.
Other names: c.1517_1533dup, p.Tyr512fs (NM_001281492.2); c.1001_1017dup, p.Tyr340fs (NM_001281493.2, NM_001281494.2); c.2003_2019dup, p.Tyr674Leufs (NM_001406795.1, NM_001406802.1); c.1907_1923dup, p.Tyr642Leufs (NM_001406796.1, NM_001406798.1, NM_001406800.1 and 3 more transcripts); c.1610_1626dup, p.Tyr543Leufs (NM_001406797.1, NM_001406801.1, NM_001406805.1 and 10 more transcripts); c.1382_1398dup, p.Tyr467Leufs (NM_001406799.1, NM_001406806.1, NM_001406807.1); c.1829_1845dup, p.Tyr616Leufs (NM_001406804.1); c.1001_1017dup, p.Tyr340Leufs (NM_001406811.1, NM_001406812.1, NM_001406814.1 and 4 more transcripts); and 3 more; short protein forms Y340fs, Y512fs, Y642fs.
Identifiers: ClinVar variation 1782403 (VCV001782403.2), dbSNP rs2530637221, ClinGen allele CA2580067726.
Genomic context (GRCh38, chr2:47,799,885, plus strand): 5'-CTGTTCTCTTCAGGAAGGTCTGATACCCGGCTCCCAGTTTTGGGATGCATCCAAAACTTT[G>GAGAACTCTCCTTGAGGA]AGAACTCTCCTTGAGGAAGAATATTTTAGGGAAAAGCTAAGTGATGGCATTGGGGTGATG-3'

ClinVar aggregate classification (germline): Pathogenic (1 of 4 stars; one submission).

Conditions:
Hereditary cancer-predisposing syndrome. Also called: Neoplastic Syndromes, Hereditary; Tumor predisposition; Hereditary Cancer Syndrome; Hereditary neoplastic syndrome. Identifiers: Orphanet 140162, MedGen C0027672, MeSH D009386, MONDO:0015356.

Submission:

Ambry Genetics
Classification: Pathogenic for Hereditary cancer-predisposing syndrome. Last evaluated: 2020-10-08. Review status: criteria provided, single submitter. Criteria: Ambry Variant Classification Scheme 2023. Collection method: clinical testing. Allele origin: germline.
Comment: The c.1907_1923dup17 variant, located in coding exon 4 of the MSH6 gene, results from a duplication of CTCTCCTTGAGGAAGAA at nucleotide position 1907, causing a translational frameshift with a predicted alternate stop codon (p.Y642Lfs*12). This alteration is expected to result in loss of function by premature protein truncation or nonsense-mediated mRNA decay. As such, this alteration is interpreted as a disease-causing mutation.